The following is an entry in ClinVar:

NM_012469.4(PRPF6):c.2603T>C (p.Val868Ala)

Gene: PRPF6 (pre-mRNA processing factor 6; plus strand). Cytogenetic location: 20q13.33.
Variant type: single nucleotide variant.
Coding change: c.2603T>C on transcript NM_012469.4 (MANE Select); coding-DNA position 2603, T replaced by C.
Protein change: p.Val868Ala; replaces valine 868 with alanine.
Molecular consequence: missense variant.
Genome position (GRCh38, 1-based): chr20:64,031,974, T>C. VCF-style: chr20-64031974-T-C. GRCh37 (hg19) VCF-style: chr20-62663327-T-C.
Other names: short protein forms V868A.
Identifiers: ClinVar variation 4995086 (VCV004995086.1).

ClinVar aggregate classification (germline): Uncertain significance (1 of 4 stars; one submission).

Conditions:
PRPF6-related disorder. Also called: PRPF6-related condition.

Submission:

PreventionGenetics, part of Exact Sciences
Classification: Uncertain significance for PRPF6-related condition. Last evaluated: 2026-03-31. Review status: criteria provided, single submitter. Criteria: ACMG Guidelines, 2015. Collection method: clinical testing. Allele origin: germline.
Comment: The PRPF6 c.2603T>C variant is predicted to result in the amino acid substitution p.Val868Ala. To our knowledge, this variant has not been reported in the literature. This variant is absent in a large population database (gnomAD), indicating this variant is rare. At this time, the clinical significance of this variant is uncertain due to the absence of conclusive functional and genetic evidence.